The following is an entry in ClinVar:

ClinVar aggregate classification (germline): Uncertain significance. Review status: criteria provided, multiple submitters, no conflicts (2 of 4 stars). 3 submissions from 3 submitters: Uncertain significance (3). Last evaluated 2025-05-02.

Conditions:
Inborn genetic diseases. Identifiers: MedGen C0950123, MeSH D030342.

Allele frequency attached by ClinVar (database versions not stated): TOPMed below 0.00001; ExAC 0.00001; gnomAD 0.00001; gnomAD exomes 0.00001.
gnomAD v4.1: 8 of 1,612,768 alleles (0.0005%); highest among the groups gnomAD compares: Non-Finnish European, 0.00068%; no homozygotes.

Submissions (3):

Labcorp Genetics (formerly Invitae), Labcorp
Classification: Uncertain significance. Last evaluated: 2025-05-02. Review status: criteria provided, single submitter. Criteria: Invitae Variant Classification Sherloc (09022015). Collection method: clinical testing. Allele origin: germline.
Comment: This sequence change replaces asparagine, which is neutral and polar, with aspartic acid, which is acidic and polar, at codon 135 of the RARS2 protein (p.Asn135Asp). This variant is present in population databases (rs755448382, gnomAD 0.003%). This variant has not been reported in the literature in individuals affected with RARS2-related conditions. ClinVar contains an entry for this variant (Variation ID: 2144428). Invitae Evidence Modeling of protein sequence and biophysical properties (such as structural, functional, and spatial information, amino acid conservation, physicochemical variation, residue mobility, and thermodynamic stability) indicates that this missense variant is expected to disrupt RARS2 protein function with a positive predictive value of 95%. In summary, the available evidence is currently insufficient to determine the role of this variant in disease. Therefore, it has been classified as a Variant of Uncertain Significance.

Ambry Genetics
Classification: Uncertain significance for Inborn genetic diseases. Last evaluated: 2025-02-11. Review status: criteria provided, single submitter. Criteria: Ambry Variant Classification Scheme 2023. Collection method: clinical testing. Allele origin: germline.

GeneDx
Classification: Uncertain significance. Last evaluated: 2024-07-15. Review status: criteria provided, single submitter. Criteria: GeneDx Variant Classification Process June 2021. Collection method: clinical testing. Allele origin: germline. Affected: yes.
Comment: Not observed at significant frequency in large population cohorts (gnomAD); In silico analysis supports that this missense variant has a deleterious effect on protein structure/function; Has not been previously published as pathogenic or benign to our knowledge

NM_020320.5(RARS2):c.403A>G (p.Asn135Asp)

Gene: RARS2 (arginyl-tRNA synthetase 2, mitochondrial; minus strand). Cytogenetic location: 6q15.
Variant type: single nucleotide variant.
Coding change: c.403A>G on transcript NM_020320.5 (MANE Select); coding-DNA position 403, A replaced by G.
Protein change: p.Asn135Asp; replaces asparagine 135 with aspartic acid.
Molecular consequence: missense variant. On other transcripts: 5 prime UTR variant (5), non-coding transcript variant (15), intron variant (2).
Genome position (GRCh38, 1-based): chr6:87,548,639, T>C on the plus strand (A>G on the coding strand, the complement: RARS2 is on the minus strand). VCF-style: chr6-87548639-T-C. GRCh37 (hg19) VCF-style: chr6-88258357-T-C.
Other names: c.403A>G, p.Asn135Asp (NM_001350505.2); c.-123A>G (NM_001350506.2, NM_001350507.2, NM_001350508.2 and 2 more transcripts); c.-74-2940A>G (NM_001350509.2, NM_001318785.2); c.403A>G (NM_020320.3); short protein forms N135D.
Identifiers: ClinVar variation 2144428 (VCV002144428.4), dbSNP rs755448382, ClinGen allele CA3916651.
Genomic context (GRCh38, chr6:87,548,639, plus strand): 5'-CTAAACACTTACCTATGATGGTAGAACGCAAATGTCCAACATGAAATTTTTTGGCAACAT[T>C]AGGTGAACTGCAAAAAAAATGGGAAACATTTCTCTATTCTAAGACTTAAGACTTCTAAGA-3'
Protein context (NP_064716.2, residues 125-145): KKIVVEFSSP[Asn135Asp]VAKKFHVGHL